The following is an entry in ClinVar:

NM_001177693.2(ARHGEF28):c.743C>T (p.Thr248Met)

Gene: ARHGEF28 (Rho guanine nucleotide exchange factor 28; plus strand). Cytogenetic location: 5q13.2.
Variant type: single nucleotide variant.
Coding change: c.743C>T on transcript NM_001177693.2 (MANE Select); coding-DNA position 743, C replaced by T.
Protein change: p.Thr248Met; replaces threonine 248 with methionine.
Molecular consequence: missense variant.
Genome position (GRCh38, 1-based): chr5:73,776,599, C>T. VCF-style: chr5-73776599-C-T. GRCh37 (hg19) VCF-style: chr5-73072424-C-T.
Other names: c.743C>T, p.Thr248Met (NM_001388078.1, NM_001080479.3); c.449C>T, p.Thr150Met (NM_001388076.1); short protein forms T248M, T150M.
Identifiers: ClinVar variation 2454465 (VCV002454465.5), dbSNP rs375000790, ClinGen allele CA3304284.

ClinVar aggregate classification (germline): Uncertain significance. Review status: criteria provided, single submitter (1 of 4 stars). 2 submissions from 2 submitters: Uncertain significance (1). 1 of the submissions does not count toward it. Last evaluated 2025-10-22.

Conditions:
ARHGEF28-related disorder. Also called: ARHGEF28-related condition.

Allele frequency attached by ClinVar (database versions not stated): TOPMed 0.00003; ESP Exome Variant Server 0.00008.
gnomAD v4.1: 173 of 1,613,798 alleles (0.011%); highest among the groups gnomAD compares: South Asian, 0.13%; 1 homozygote.

Submissions (2):

Ambry Genetics
Classification: Uncertain significance. Last evaluated: 2025-10-22. Review status: criteria provided, single submitter. Criteria: Ambry Variant Classification Scheme 2023. Collection method: clinical testing. Allele origin: germline.

PreventionGenetics, part of Exact Sciences
Classification: Likely benign for ARHGEF28-related condition. Last evaluated: 2022-11-12. Review status: no assertion criteria provided. Collection method: clinical testing. Allele origin: germline. Not counted in ClinVar's aggregate classification.
Comment: This variant is classified as likely benign based on ACMG/AMP sequence variant interpretation guidelines (Richards et al. 2015 PMID: 25741868, with internal and published modifications).